The following is an entry in ClinVar:

NM_015100.4(POGZ):c.1971_1974dup (p.Ala659fs)

Gene: POGZ (pogo transposable element derived with ZNF domain; minus strand). Cytogenetic location: 1q21.3.
Variant type: Duplication.
Coding change: c.1971_1974dup on transcript NM_015100.4 (MANE Select); coding-DNA positions 1971 to 1974, 4 bases duplicated (CTTT; older notation c.1971_1974dupCTTT).
Protein change: p.Ala659fs; shifts the reading frame from alanine 659.
Molecular consequence: frameshift variant.
Genome position (GRCh38, 1-based): chr1:151,408,781-151,408,784, AAAG duplicated on the plus strand (CTTT on the coding strand, the reverse complement: POGZ is on the minus strand); duplicating any 4 consecutive bases within chr1:151,408,781-151,408,785 gives the same sequence; the c. name uses the placement nearest the transcript's 3' end. VCF-style (leftmost placement, unchanged base first): chr1-151408780-C-CAAAG. GRCh37 (hg19) VCF-style: chr1-151381256-C-CAAAG.
Other names: c.1944_1947dup, p.Ala650fs (NM_001194937.2); c.1785_1788dup, p.Ala597fs (NM_001194938.2); c.1992_1995dup, p.Ala666fs (NM_001410860.1); c.1686_1689dup, p.Ala564fs (NM_145796.4); c.1812_1815dup, p.Ala606fs (NM_207171.2); short protein forms A564fs, A597fs, A606fs, A650fs, A659fs, A666fs.
Identifiers: ClinVar variation 4880735 (VCV004880735.2).

ClinVar aggregate classification (germline): Likely pathogenic (1 of 4 stars; one submission).

Conditions:
Intellectual disability-microcephaly-strabismus-behavioral abnormalities syndrome. Also called: White-Sutton Syndrome. Identifiers: Orphanet 468678, MedGen C4225351, MONDO:0014606, OMIM 616364.

Submission:

Dasa
Classification: Likely pathogenic for Intellectual disability-microcephaly-strabismus-behavioral abnormalities syndrome. Last evaluated: 2025-05-11. Review status: criteria provided, single submitter. Criteria: DASA Assertion Criteria. Collection method: clinical testing. Allele origin: germline.
Comment: NM_015100.4(POGZ):c.1971_1974dup (p.Ala659Leufs*7) is a frameshift variant in POGZ predicted to alter the reading frame and introduce a premature termination codon and is predicted to result in an absent or altered protein product. Loss of function is an established disease mechanism for POGZ (PMID: 27148570; PMID: 26942287; PMID: 26739615). Also, this variant is absent from population databases. Based on the currently available evidence, this variant is classified as likely pathogenic.

Literature cited by the submitters: PubMed 27148570; PubMed 26942287; PubMed 26739615.